The following is an entry in ClinVar:

ClinVar aggregate classification (germline): Benign. Review status: criteria provided, multiple submitters, no conflicts (2 of 4 stars). 2 submissions from 2 submitters: Benign (2). Last evaluated 2020-02-18.

Allele frequency attached by ClinVar (database versions not stated): 1000 Genomes Project 0.70467; 1000 Genomes Project 30x 0.70878; TOPMed 0.72392; ESP Exome Variant Server 0.72979.
gnomAD v4.1: 1,049,878 of 1,610,944 alleles (65%); highest among the groups gnomAD compares: African/African-American, 94%; 347,915 homozygotes.

Submissions (2):

GeneDx
Classification: Benign. Last evaluated: 2020-02-18. Review status: criteria provided, single submitter. Criteria: GeneDx Variant Classification Process June 2021. Collection method: clinical testing. Allele origin: germline. Affected: yes.
Comment: This variant is associated with the following publications: (PMID: 29986156)

Breakthrough Genomics
Classification: Benign. Review status: criteria provided, single submitter. Criteria: ACMG Guidelines, 2015. Collection method: not provided. Allele origin: germline. Inheritance: Autosomal recessive inheritance. Affected: yes.

NM_001101421.4(MYO1H):c.3050T>C (p.Leu1017Pro)

Gene: MYO1H (myosin IH; plus strand). Cytogenetic location: 12q24.11.
Variant type: single nucleotide variant.
Coding change: c.3050T>C on transcript NM_001101421.4 (MANE Select); coding-DNA position 3050, T replaced by C.
Protein change: p.Leu1017Pro; replaces leucine 1017 with proline.
Molecular consequence: missense variant.
Genome position (GRCh38, 1-based): chr12:109,445,569, T>C. VCF-style: chr12-109445569-T-C. GRCh37 (hg19) VCF-style: chr12-109883374-T-C.
Other names: short protein forms L1001P, L1017P.
Identifiers: ClinVar variation 1267555 (VCV001267555.4), dbSNP rs3825393, ClinGen allele CA6776976.